The following is an entry in ClinVar:

ClinVar aggregate classification (germline): Pathogenic (1 of 4 stars; one submission).

Conditions:
Primary ciliary dyskinesia. Also called: Ciliary dyskinesia. Identifiers: Orphanet 244, MedGen C0008780, MONDO:0016575, HP:0012265.

Allele frequency attached by ClinVar (database versions not stated): gnomAD exomes 0.00001 and 0.00002; ExAC 0.00002.
gnomAD v4.1: 25 of 1,610,590 alleles (0.0016%); highest among the groups gnomAD compares: East Asian, 0.0022%; no homozygotes.

Submission:

Labcorp Genetics (formerly Invitae), Labcorp
Classification: Pathogenic for Primary ciliary dyskinesia. Last evaluated: 2025-10-01. Review status: criteria provided, single submitter. Criteria: Invitae Variant Classification Sherloc (09022015). Collection method: clinical testing. Allele origin: germline.
Comment: This sequence change creates a premature translational stop signal (p.Arg3250*) in the DNAH8 gene. It is expected to result in an absent or disrupted protein product. Loss-of-function variants in DNAH8 are known to be pathogenic (PMID: 24307375, 32619401, 32681648). This variant is present in population databases (rs747123680, gnomAD 0.006%). This variant has not been reported in the literature in individuals affected with DNAH8-related conditions. ClinVar contains an entry for this variant (Variation ID: 664597). Algorithms developed to predict the effect of sequence changes on RNA splicing suggest that this variant may disrupt the consensus splice site. For these reasons, this variant has been classified as Pathogenic.

Literature cited by the submitters: PubMed 24307375; PubMed 32619401; PubMed 32681648.

NM_001206927.2(DNAH8):c.9748C>T (p.Arg3250Ter)

Genes: DNAH8 (dynein axonemal heavy chain 8; plus strand), DNAH8-AS1 (DNAH8 antisense RNA 1; minus strand). Cytogenetic location: 6p21.2.
Variant type: single nucleotide variant.
Coding change: c.9748C>T on transcript NM_001206927.2 (MANE Select); coding-DNA position 9748, C replaced by T.
Protein change: p.Arg3250Ter; replaces arginine 3250 with a stop codon.
Molecular consequence: nonsense.
Genome position (GRCh38, 1-based): chr6:38,911,475, C>T. VCF-style: chr6-38911475-C-T. GRCh37 (hg19) VCF-style: chr6-38879251-C-T.
Other names: c.9097C>T, p.Arg3033Ter (NM_001371.4); short protein forms R3033*, R3250*.
Identifiers: ClinVar variation 664597 (VCV000664597.7), dbSNP rs747123680, ClinGen allele CA3790563.